The following is an entry in ClinVar:

NM_001190880.3(HYI):c.93C>T (p.Gly31=)

Genes: HYI (hydroxypyruvate isomerase (putative); minus strand), SZT2 (SZT2 subunit of KICSTOR complex; plus strand), LOC129930381 (ATAC-STARR-seq lymphoblastoid silent region 785; plus strand). Cytogenetic location: 1p34.2.
Variant type: single nucleotide variant.
Coding change: c.93C>T on transcript NM_001190880.3 (MANE Select); coding-DNA position 93, C replaced by T.
Protein change: p.Gly31=; no amino-acid change (glycine 31 retained).
Molecular consequence: synonymous variant. On other transcripts: 3 prime UTR variant (2).
Genome position (GRCh38, 1-based): chr1:43,453,701, G>A on the plus strand (C>T on the coding strand, the complement: HYI is on the minus strand). VCF-style: chr1-43453701-G-A. GRCh37 (hg19) VCF-style: chr1-43919372-G-A.
Other names: c.*3221G>A (NM_001365999.1, NM_015284.4); c.93C>T, p.Gly31= (NM_001243526.2, NM_001330526.2, NM_031207.6).
Identifiers: ClinVar variation 3341689 (VCV003341689.16).
Genomic context (GRCh38, chr1:43,453,701, plus strand): 5'-GGCGCGCGCCAGCGCCTCAGGCGTCTCCGCGTACGGCCAGGCCACCTCGACGGCCTCGAA[G>A]CCCGAGCTGCCCGCGGCCCGCACCCGCGCGGGGAGGCCGGAGAGCTCGGGGAATAGCCAG-3'
Protein context (NP_001177809.1, residues 21-41): PARVRAAGSS[Gly31=]FEAVEVAWPY

ClinVar aggregate classification (germline): Likely benign (1 of 4 stars; one submission).

gnomAD v4.1: 100 of 1,421,496 alleles (0.007%); highest among the groups gnomAD compares: Non-Finnish European, 0.0073%; no homozygotes.

Submission:

CeGaT Center for Human Genetics Tuebingen
Classification: Likely benign. Last evaluated: 2024-08-01. Review status: criteria provided, single submitter. Criteria: CeGaT Center For Human Genetics Tuebingen Variant Classification Criteria Version 2. Collection method: clinical testing. Allele origin: germline. Affected: yes. Observed: 1 variant allele.
Comment: HYI: BP4, BP7